The following is an entry in ClinVar:

NM_152269.5(MTRFR):c.486T>G (p.Ser162Arg)

Gene: MTRFR (mitochondrial translation release factor in rescue; plus strand). Cytogenetic location: 12q24.31.
Variant type: single nucleotide variant.
Coding change: c.486T>G on transcript NM_152269.5 (MANE Select); coding-DNA position 486, T replaced by G.
Protein change: p.Ser162Arg; replaces serine 162 with arginine.
Molecular consequence: missense variant.
Genome position (GRCh38, 1-based): chr12:123,257,016, T>G. VCF-style: chr12-123257016-T-G. GRCh37 (hg19) VCF-style: chr12-123741563-T-G.
Other names: c.486T>G, p.Ser162Arg (NM_001143905.2, NM_001194995.1); short protein forms S162R.
Identifiers: ClinVar variation 881087 (VCV000881087.9), dbSNP rs371852394, ClinGen allele CA6856618.

ClinVar aggregate classification (germline): Uncertain significance. Review status: criteria provided, multiple submitters, no conflicts (2 of 4 stars). 3 submissions from 3 submitters: Uncertain significance (2). 1 of the submissions does not count toward it. Last evaluated 2024-05-23.

Conditions:
Combined oxidative phosphorylation defect type 7. Identifiers: Orphanet 254930, MedGen C3150801, MONDO:0013306, OMIM 613559.
MTRFR-related disorder. Also called: MTRFR-related condition.
Spastic paraplegia. Identifiers: MedGen C0037772, HP:0001258.

Allele frequency attached by ClinVar (database versions not stated): TOPMed below 0.00001; gnomAD exomes 0.00001.
gnomAD v4.1: 9 of 1,611,782 alleles (0.00056%); highest among the groups gnomAD compares: Middle Eastern, 0.018%; no homozygotes.

Submissions (3):

Labcorp Genetics (formerly Invitae), Labcorp
Classification: Uncertain significance for Combined oxidative phosphorylation defect type 7; Spastic paraplegia. Last evaluated: 2024-05-23. Review status: criteria provided, single submitter. Criteria: Invitae Variant Classification Sherloc (09022015). Collection method: clinical testing. Allele origin: germline.
Comment: This sequence change replaces serine, which is neutral and polar, with arginine, which is basic and polar, at codon 162 of the C12orf65 protein (p.Ser162Arg). This variant is present in population databases (rs371852394, gnomAD 0.003%). This variant has not been reported in the literature in individuals affected with C12orf65-related conditions. ClinVar contains an entry for this variant (Variation ID: 881087). Experimental studies and prediction algorithms are not available or were not evaluated, and the functional significance of this variant is currently unknown. In summary, the available evidence is currently insufficient to determine the role of this variant in disease. Therefore, it has been classified as a Variant of Uncertain Significance.

Illumina Laboratory Services, Illumina
Classification: Uncertain significance for Combined oxidative phosphorylation defect type 7. Last evaluated: 2018-01-13. Review status: criteria provided, single submitter. Criteria: ICSL Variant Classification Criteria 13 December 2019. Collection method: clinical testing. Allele origin: germline.

PreventionGenetics, part of Exact Sciences
Classification: Uncertain significance for MTRFR-related condition. Last evaluated: 2024-05-10. Review status: no assertion criteria provided. Collection method: clinical testing. Allele origin: germline. Not counted in ClinVar's aggregate classification.
Comment: The MTRFR c.486T>G variant is predicted to result in the amino acid substitution p.Ser162Arg. To our knowledge, this variant has not been reported in the literature. This variant is reported in 0.0027% of alleles in individuals of European (Non-Finnish) descent in gnomAD. At this time, the clinical significance of this variant is uncertain due to the absence of conclusive functional and genetic evidence.